The following is an entry in ClinVar:

ClinVar aggregate classification (germline): Benign/Likely benign. Review status: criteria provided, multiple submitters, no conflicts (2 of 4 stars). 11 submissions from 11 submitters: Benign (6); Likely benign (1). 4 of the submissions do not count toward it. Last evaluated 2026-06-01.

Conditions:
VPS13B-related disorder. Also called: VPS13B-related condition.
Inborn genetic diseases. Identifiers: MedGen C0950123, MeSH D030342.
Cohen syndrome (COH1). Also called: PEPPER SYNDROME; Cutis verticis gyrata, retinitis pigmentosa, and sensorineural deafness. Identifiers: Orphanet 193, MedGen C0265223, MONDO:0008999, OMIM 216550.

Allele frequency attached by ClinVar (database versions not stated): gnomAD 0.00001 and 0.00050; TOPMed 0.00009; gnomAD exomes 0.00090 and 0.00178; ExAC 0.00203; 1000 Genomes Project 0.00280; 1000 Genomes Project 30x 0.00328.
gnomAD v4.1: 1,389 of 1,614,088 alleles (0.086%); highest among the groups gnomAD compares: South Asian, 1.4%; 18 homozygotes.

Submissions (11):

CeGaT Center for Human Genetics Tuebingen
Classification: Benign. Last evaluated: 2026-06-01. Review status: criteria provided, single submitter. Criteria: CeGaT Center For Human Genetics Tuebingen Variant Classification Criteria Version 2. Collection method: clinical testing. Allele origin: germline. Affected: yes. Observed: 3 variant alleles.
Comment: VPS13B: BS1, BS2

Labcorp Genetics (formerly Invitae), Labcorp
Classification: Benign for Cohen syndrome. Last evaluated: 2026-02-01. Review status: criteria provided, single submitter. Criteria: Invitae Variant Classification Sherloc (09022015). Collection method: clinical testing. Allele origin: germline.

Women's Health and Genetics/Laboratory Corporation of America, LabCorp
Classification: Benign. Last evaluated: 2022-03-12. Review status: criteria provided, single submitter. Criteria: LabCorp Variant Classification Summary - May 2015. Collection method: clinical testing. Allele origin: germline.
Comment: Variant summary: VPS13B c.8246A>G (p.Tyr2749Cys) results in a non-conservative amino acid change in the encoded protein sequence. Three of five in-silico tools predict a damaging effect of the variant on protein function. The variant allele was found at a frequency of 0.0018 in 250994 control chromosomes, predominantly at a frequency of 0.014 within the South Asian subpopulation in the gnomAD database, including 9 homozygotes. The observed variant frequency within South Asian control individuals in the gnomAD database is approximately 5.6 fold of the estimated maximal expected allele frequency for a pathogenic variant in VPS13B causing Cohen Syndrome phenotype (0.0025), strongly suggesting that the variant is a benign polymorphism found primarily in populations of South Asian origin. To our knowledge, no penetrant association of c.8246A>G in individuals affected with Cohen Syndrome and no experimental evidence demonstrating its impact on protein function have been reported. Five clinical diagnostic laboratories have submitted clinical-significance assessments for this variant to ClinVar after 2014 without evidence for independent evaluation. All laboratories classified the variant as benign/likely benign. Based on the evidence outlined above, the variant was classified as benign.

Ambry Genetics
Classification: Likely benign for Inborn genetic diseases. Last evaluated: 2018-03-21. Review status: criteria provided, single submitter. Criteria: Ambry Variant Classification Scheme 2023. Collection method: clinical testing. Allele origin: germline.

Illumina Laboratory Services, Illumina
Classification: Benign for Cohen syndrome. Last evaluated: 2018-01-12. Review status: criteria provided, single submitter. Criteria: ICSL Variant Classification Criteria 13 December 2019. Collection method: clinical testing. Allele origin: germline.
Comment: This variant was observed in the ICSL laboratory as part of a predisposition screen in an ostensibly healthy population. It had not been previously curated by ICSL or reported in the Human Gene Mutation Database (HGMD: prior to June 1st, 2018), and was therefore a candidate for classification through an automated scoring system. Utilizing variant allele frequency, disease prevalence and penetrance estimates, and inheritance mode, an automated score was calculated to assess if this variant is too frequent to cause the disease. Based on the score and internal cut-off values, a variant classified as benign is not then subjected to further curation. The score for this variant resulted in a classification of benign for this disease.

Genetic Services Laboratory, University of Chicago
Classification: Benign. Last evaluated: 2015-11-17. Review status: criteria provided, single submitter. Criteria: ACMG Guidelines, 2015. Collection method: clinical testing. Allele origin: germline. Affected: no.

Eurofins Ntd Llc (ga)
Classification: Benign. Last evaluated: 2015-04-15. Review status: criteria provided, single submitter. Criteria: EGL Classification Definitions 2015. Collection method: clinical testing. Allele origin: germline. Observed: 1 variant allele, 1 heterozygote.

PreventionGenetics, part of Exact Sciences
Classification: Benign for VPS13B-related condition. Last evaluated: 2022-08-01. Review status: no assertion criteria provided. Collection method: clinical testing. Allele origin: germline. Not counted in ClinVar's aggregate classification.
Comment: This variant is classified as benign based on ACMG/AMP sequence variant interpretation guidelines (Richards et al. 2015 PMID: 25741868, with internal and published modifications).

Natera, Inc.
Classification: Benign for Cohen syndrome. Last evaluated: 2019-10-29. Review status: no assertion criteria provided. Collection method: clinical testing. Allele origin: germline. Not counted in ClinVar's aggregate classification.

Clinical Genetics DNA and cytogenetics Diagnostics Lab, Erasmus MC, Erasmus Medical Center
Classification: Benign. Review status: no assertion criteria provided. Collection method: clinical testing. Allele origin: germline. Affected: yes. Study: VKGL Data-share Consensus. Not counted in ClinVar's aggregate classification.

Clinical Genetics, Academic Medical Center
Classification: Likely benign. Review status: no assertion criteria provided. Collection method: clinical testing. Allele origin: germline. Affected: yes. Study: VKGL Data-share Consensus. Not counted in ClinVar's aggregate classification.

NM_152564.5(VPS13B):c.8171A>G (p.Tyr2724Cys)

Gene: VPS13B (vacuolar protein sorting 13 homolog B; plus strand). Cytogenetic location: 8q22.2.
Variant type: single nucleotide variant.
Coding change: c.8171A>G on transcript NM_152564.5 (MANE Select); coding-DNA position 8171, A replaced by G.
Protein change: p.Tyr2724Cys; replaces tyrosine 2724 with cysteine.
Molecular consequence: missense variant.
Genome position (GRCh38, 1-based): chr8:99,817,613, A>G. VCF-style: chr8-99817613-A-G. GRCh37 (hg19) VCF-style: chr8-100829841-A-G.
Other names: c.8246A>G, p.Tyr2749Cys (NM_017890.5); c.8171A>G (NM_152564.4); short protein forms Y2724C, Y2749C.
Identifiers: ClinVar variation 197529 (VCV000197529.50), dbSNP rs138453594, ClinGen allele CA202938.